The following is an entry in ClinVar:

NM_001018116.2(CAVIN4):c.425C>T (p.Pro142Leu)

Gene: CAVIN4 (caveolae associated protein 4; plus strand). Cytogenetic location: 9q31.1.
Variant type: single nucleotide variant.
Coding change: c.425C>T on transcript NM_001018116.2 (MANE Select); coding-DNA position 425, C replaced by T.
Protein change: p.Pro142Leu; replaces proline 142 with leucine.
Molecular consequence: missense variant.
Genome position (GRCh38, 1-based): chr9:100,585,781, C>T. VCF-style: chr9-100585781-C-T. GRCh37 (hg19) VCF-style: chr9-103348063-C-T.
Other names: c.425C>T, p.Pro142Leu (LRG_760t1); c.425C>T (NM_001018116.1); short protein forms P142L.
Identifiers: ClinVar variation 450258 (VCV000450258.5), dbSNP rs768645960, ClinGen allele CA5160080.

ClinVar aggregate classification (germline): Uncertain significance. Review status: criteria provided, multiple submitters, no conflicts (2 of 4 stars). 2 submissions from 2 submitters: Uncertain significance (2). Last evaluated 2025-09-28.

Allele frequency attached by ClinVar (database versions not stated): gnomAD 0.00006; gnomAD exomes 0.00007 and 0.00003; TOPMed 0.00010; ExAC 0.00006.
gnomAD v4.1: 50 of 1,613,774 alleles (0.0031%); highest among the groups gnomAD compares: Middle Eastern, 0.033%; no homozygotes.

Submissions (2):

Ambry Genetics
Classification: Uncertain significance. Last evaluated: 2025-09-28. Review status: criteria provided, single submitter. Criteria: Ambry Variant Classification Scheme 2023. Collection method: clinical testing. Allele origin: germline.

GeneDx
Classification: Uncertain significance. Last evaluated: 2024-06-24. Review status: criteria provided, single submitter. Criteria: GeneDx Variant Classification Process June 2021. Collection method: clinical testing. Allele origin: germline. Affected: yes.
Comment: Has not been previously published as pathogenic or benign in association with a CAVIN4-related disorder to our knowledge; In silico analysis supports that this missense variant has a deleterious effect on protein structure/function; Variants in candidate genes are classified as variants of uncertain significance in accordance with ACMG guidelines (PMID: 25741868); This variant is associated with the following publications: (PMID: 29420653)